The following is an entry in ClinVar:

NM_005732.4(RAD50):c.2525T>C (p.Val842Ala)

Gene: RAD50 (RAD50 double strand break repair protein; plus strand). Cytogenetic location: 5q31.1.
Variant type: single nucleotide variant.
Coding change: c.2525T>C on transcript NM_005732.4 (MANE Select); coding-DNA position 2525, T replaced by C.
Protein change: p.Val842Ala; replaces valine 842 with alanine.
Molecular consequence: missense variant.
Genome position (GRCh38, 1-based): chr5:132,604,806, T>C. VCF-style: chr5-132604806-T-C. GRCh37 (hg19) VCF-style: chr5-131940498-T-C.
Other names: p.V842A:GTT>GCT; short protein forms V842A.
Identifiers: ClinVar variation 128005 (VCV000128005.25), dbSNP rs28903093, ClinGen allele CA331871.

ClinVar aggregate classification (germline): Conflicting classifications of pathogenicity. Review status: criteria provided, conflicting classifications (1 of 4 stars). 7 submissions from 7 submitters: Uncertain significance (5); Likely benign (2). Last evaluated 2026-01-12.

Conditions:
Hereditary cancer-predisposing syndrome. Also called: Hereditary neoplastic syndrome; Neoplastic Syndromes, Hereditary; Hereditary Cancer Syndrome; Tumor predisposition. Identifiers: Orphanet 140162, MedGen C0027672, MeSH D009386, MONDO:0015356.
Nijmegen breakage syndrome-like disorder (NBSLD). Also called: MICROCEPHALY AND SPONTANEOUS CHROMOSOME INSTABILITY WITHOUT IMMUNODEFICIENCY; NBS-LIKE DISORDER; RAD50 DEFICIENCY. Identifiers: Orphanet 240760, MedGen C2751318, MONDO:0013118, OMIM 613078.

Allele frequency attached by ClinVar (database versions not stated): gnomAD exomes 0.00010 and 0.00043; ExAC 0.00016; gnomAD 0.00019 and 0.00020; TOPMed 0.00019; ESP Exome Variant Server 0.00031.
gnomAD v4.1: 645 of 1,604,444 alleles (0.04%); highest among the groups gnomAD compares: Non-Finnish European, 0.053%; 1 homozygote.

Submissions (7):

Labcorp Genetics (formerly Invitae), Labcorp
Classification: Likely benign for Hereditary cancer-predisposing syndrome. Last evaluated: 2026-01-12. Review status: criteria provided, single submitter. Criteria: Invitae Variant Classification Sherloc (09022015). Collection method: clinical testing. Allele origin: germline.

Quest Diagnostics Nichols Institute San Juan Capistrano
Classification: Uncertain significance. Last evaluated: 2025-10-29. Review status: criteria provided, single submitter. Criteria: Quest Diagnostics criteria. Collection method: clinical testing. Allele origin: unknown.
Comment: The RAD50 c.2525T>C (p.Val842Ala) variant has been reported in the published literature in individuals with breast cancer (PMID: 16385572 (2006), 33471991 (2021), see also LOVD), and unspecified advanced cancer (PMID: 28873162 (2017)). This variant has also been identified in reportedly unaffected individuals (PMID: 29641532 (2018), 33471991 (2021), see also LOVD). The frequency of this variant in the general population (Genome Aggregation Database) is uninformative in the assessment of its pathogenicity. Analysis of this variant using bioinformatics tools for the prediction of the effect of amino acid changes on protein structure and function yielded predictions that this variant is benign. Based on the available information, we are unable to determine the clinical significance of this variant.

Women's Health and Genetics/Laboratory Corporation of America, LabCorp
Classification: Likely benign. Last evaluated: 2025-10-15. Review status: criteria provided, single submitter. Criteria: LabCorp Variant Classification Summary - May 2015. Collection method: clinical testing. Allele origin: germline.
Comment: Variant summary: RAD50 c.2525T>C (p.Val842Ala) results in a non-conservative amino acid change in the encoded protein sequence. Algorithms developed to predict the effect of missense changes on protein structure and function are either unavailable or do not agree on the potential impact of this missense change. Consensus agreement among computation tools predict no significant impact on normal splicing. However, these predictions have yet to be confirmed by functional studies. The variant allele was found at a frequency of 0.0001 in 248368 control chromosomes, predominantly at a frequency of 0.00021 within the Non-Finnish European subpopulation in the gnomAD database. The observed variant frequency within Non-Finnish European control individuals in the gnomAD database exceeds the estimated maximal expected allele frequency for disease-causing variants in RAD50. c.2525T>C has been reported in the literature in individuals affected with breast cancer or non-Hodgkin lymphoma (Tommiska_2006, Schuetz_2009, Damiola_2014). These reports do not provide unequivocal conclusions about association of the variant with Hereditary Breast And Ovarian Cancer Syndrome. To our knowledge, no experimental evidence demonstrating an impact on protein function has been reported. The following publications have been ascertained in the context of this evaluation (PMID: 24894818, 19917125, 16385572). ClinVar contains an entry for this variant (Variation ID: 128005). Based on the evidence outlined above, the variant was classified as likely benign.

GeneDx
Classification: Uncertain significance. Last evaluated: 2025-01-08. Review status: criteria provided, single submitter. Criteria: GeneDx Variant Classification Process June 2021. Collection method: clinical testing. Allele origin: germline. Affected: yes.
Comment: In silico analysis indicates that this missense variant does not alter protein structure/function; This variant is associated with the following publications: (PMID: 26787654, 16385572, 33471991, 29641532, 28873162, 26510912, 32212377, 24894818, 19917125)

Department of Pathology and Laboratory Medicine, Sinai Health System
Classification: Uncertain significance for Nijmegen breakage syndrome-like disorder. Last evaluated: 2023-10-11. Review status: criteria provided, single submitter. Criteria: ACMG Guidelines, 2015. Collection method: research. Allele origin: germline.

Ambry Genetics
Classification: Uncertain significance for Hereditary cancer-predisposing syndrome. Last evaluated: 2023-01-28. Review status: criteria provided, single submitter. Criteria: Ambry Variant Classification Scheme 2023. Collection method: clinical testing. Allele origin: germline.
Comment: The p.V842A variant (also known as c.2525T>C) is located in coding exon 16 of the RAD50 gene. The valine at codon 842 is replaced by alanine, an amino acid with similar properties. This change occurs in the first base pair of coding exon 16. This variant has been reported in multiple breast cancer case-control studies (Tommiska J et al. Int. J. Cancer, 2006 Jun;118:2911-6; Damiola F et al. Breast Cancer Res, 2014 Jun;16:R58; Young EL et al. J Med Genet, 2016 06;53:366-76). It has also been reported in 1/1358 non-cancer control individuals and in 0/57 cases, in a study looking at cancer predisposition mutations in patients with cutaneous melanoma and a history of at least two additional non-cutaneous melanoma primary cancers (Pritchard AL et al. PLoS One, 2018 Apr;13:e0194098). This amino acid position is well conserved in available vertebrate species. In addition, this alteration is predicted to be tolerated by in silico analysis. Since supporting evidence is limited at this time, the clinical significance of this alteration remains unclear.

Sema4
Classification: Uncertain significance for Nijmegen breakage syndrome-like disorder. Last evaluated: 2021-10-07. Review status: criteria provided, single submitter. Criteria: Sema4 Curation Guidelines. Collection method: curation. Allele origin: germline.
Comment: The RAD50 c.2525T>C (p.V842A) variant has been reported in heterozygosity in at least multiple individuals with breast cancer, non-Hodgkin lymphoma, or unspecified cancer (PMID: 33471991, 16385572, 24894818, 26787654, 19917125, 28873162). It has also been reported in healthy controls (PMID: 33471991). It was observed in 26/127444 chromosomes of the Non-Finnish European subpopulation, with no homozygotes, in the large and broad cohorts of the Genome Aggregation Database (PMID: 32461654). The variant has been reported in ClinVar (Variation ID: 128005). In silico tools suggest the impact of the variant on protein function is benign, though these predictions have not been confirmed by functional studies. The evidence is insufficient to meet ACMG/AMP criteria for classifying the variant as benign or pathogenic. Thus, the clinical significance of this variant is currently uncertain.

Literature cited by the submitters: PubMed 29641532 (cited by Quest Diagnostics Nichols Institute San Juan Capistrano and Ambry Genetics); PubMed 28873162 (cited by Quest Diagnostics Nichols Institute San Juan Capistrano and Sema4); PubMed 33471991 (cited by Quest Diagnostics Nichols Institute San Juan Capistrano and Sema4); PubMed 16385572 (cited by 4 submitters); PubMed 19917125 (cited by 3 submitters); PubMed 24894818 (cited by 4 submitters); PubMed 32212377 (cited by Quest Diagnostics Nichols Institute San Juan Capistrano); PubMed 26787654 (cited by Ambry Genetics and Sema4).